The following is an entry in ClinVar:

ClinVar aggregate classification (germline): Uncertain significance (1 of 4 stars; one submission).

Allele frequency attached by ClinVar (database versions not stated): gnomAD 0.00001; gnomAD exomes 0.00001; TOPMed 0.00001; ExAC 0.00002.
gnomAD v4.1: 10 of 1,593,526 alleles (0.00063%); highest among the groups gnomAD compares: Non-Finnish European, 0.00077%; no homozygotes.

Submission:

Labcorp Genetics (formerly Invitae), Labcorp
Classification: Uncertain significance. Last evaluated: 2024-01-25. Review status: criteria provided, single submitter. Criteria: Invitae Variant Classification Sherloc (09022015). Collection method: clinical testing. Allele origin: germline.
Comment: This sequence change replaces cysteine, which is neutral and slightly polar, with phenylalanine, which is neutral and non-polar, at codon 35 of the THBD protein (p.Cys35Phe). The frequency data for this variant in the population databases is considered unreliable, as metrics indicate poor data quality at this position in the gnomAD database. This variant has not been reported in the literature in individuals affected with THBD-related conditions. Advanced modeling of protein sequence and biophysical properties (such as structural, functional, and spatial information, amino acid conservation, physicochemical variation, residue mobility, and thermodynamic stability) performed at Invitae indicates that this missense variant is expected to disrupt THBD protein function with a positive predictive value of 80%. In summary, the available evidence is currently insufficient to determine the role of this variant in disease. Therefore, it has been classified as a Variant of Uncertain Significance.

NM_000361.3(THBD):c.104G>T (p.Cys35Phe)

Gene: THBD (thrombomodulin; minus strand). Cytogenetic location: 20p11.21.
Variant type: single nucleotide variant.
Coding change: c.104G>T on transcript NM_000361.3 (MANE Select); coding-DNA position 104, G replaced by T.
Protein change: p.Cys35Phe; replaces cysteine 35 with phenylalanine.
Molecular consequence: missense variant.
Genome position (GRCh38, 1-based): chr20:23,049,401, C>A on the plus strand (G>T on the coding strand, the complement: THBD is on the minus strand). VCF-style: chr20-23049401-C-A. GRCh37 (hg19) VCF-style: chr20-23030038-C-A.
Other names: short protein forms C35F.
Identifiers: ClinVar variation 3011984 (VCV003011984.3), dbSNP rs765759405, ClinGen allele CA9787796.